The following is an entry in ClinVar:

NM_022124.6(CDH23):c.832+6A>G

Gene: CDH23 (cadherin related 23; plus strand). Cytogenetic location: 10q22.1.
Variant type: single nucleotide variant.
Coding change: c.832+6A>G on transcript NM_022124.6 (MANE Select); 6 bases into the intron after coding-DNA position 832, A replaced by G.
Molecular consequence: intron variant.
Genome position (GRCh38, 1-based): chr10:71,577,998, A>G. VCF-style: chr10-71577998-A-G. GRCh37 (hg19) VCF-style: chr10-73337755-A-G.
Other names: c.832+6A>G (NM_001171930.2, NM_001171931.2, NM_052836.4 and 1 more transcripts).
Identifiers: ClinVar variation 1372200 (VCV001372200.6), dbSNP rs2132400798, ClinGen allele CA2573145356.

ClinVar aggregate classification (germline): Uncertain significance (1 of 4 stars; one submission).

Submission:

Labcorp Genetics (formerly Invitae), Labcorp
Classification: Uncertain significance. Last evaluated: 2022-01-15. Review status: criteria provided, single submitter. Criteria: Invitae Variant Classification Sherloc (09022015). Collection method: clinical testing. Allele origin: germline.
Comment: In summary, the available evidence is currently insufficient to determine the role of this variant in disease. Therefore, it has been classified as a Variant of Uncertain Significance. Variants that disrupt the consensus splice site are a relatively common cause of aberrant splicing (PMID: 17576681, 9536098). This variant has not been reported in the literature in individuals affected with CDH23-related conditions. This variant is not present in population databases (gnomAD no frequency). This sequence change falls in intron 9 of the CDH23 gene. It does not directly change the encoded amino acid sequence of the CDH23 protein. It affects a nucleotide within the consensus splice site.

Literature cited by the submitters: PubMed 17576681; PubMed 9536098.